The following is an entry in ClinVar:

NM_001127644.2(GABRA1):c.1357delinsCCCC (p.Thr453delinsProPro)

Gene: GABRA1 (gamma-aminobutyric acid type A receptor subunit alpha1; plus strand). Cytogenetic location: 5q34.
Variant type: Indel.
Coding change: c.1357delinsCCCC on transcript NM_001127644.2 (MANE Select); coding-DNA position 1357, A replaced by CCCC.
Protein change: p.Thr453delinsProPro.
Molecular consequence: inframe indel.
Genome position (GRCh38, 1-based): chr5:161,897,408, A replaced by CCCC. VCF-style: chr5-161897408-A-CCCC. GRCh37 (hg19) VCF-style: chr5-161324414-A-CCCC.
Other names: c.1357delinsCCCC, p.Thr453delinsProPro (NM_000806.5, NM_001127643.2, NM_001127645.2 and 1 more transcripts).
Identifiers: ClinVar variation 1712062 (VCV001712062.5), dbSNP rs2532296911, ClinGen allele CA2580074007.

ClinVar aggregate classification (germline): Uncertain significance (1 of 4 stars; one submission).

Submission:

GeneDx
Classification: Uncertain significance. Last evaluated: 2025-04-20. Review status: criteria provided, single submitter. Criteria: GeneDx Variant Classification Process June 2021. Collection method: clinical testing. Allele origin: germline. Affected: yes.
Comment: Has not been previously published as pathogenic or benign to our knowledge; In-frame deletion of 1 amino acid(s) and insertion of 2 different amino acid(s) in a non-repeat region; Not observed at significant frequency in large population cohorts (gnomAD); In silico analysis supports that this variant does not alter protein structure/function